The following is an entry in ClinVar:

ClinVar aggregate classification (germline): Likely pathogenic (1 of 4 stars; one submission).

Conditions:
Multiple mitochondrial dysfunctions syndrome 7 (MMDS7). Identifiers: MedGen C5830586, MONDO:0957382, OMIM 620423.

Submission:

Diagnostics Services (NGS), CSIR - Centre For Cellular And Molecular Biology
Classification: Likely pathogenic for Multiple mitochondrial dysfunctions syndrome 7. Last evaluated: 2026-08-24. Review status: criteria provided, single submitter. Criteria: ACMG Guidelines, 2015. Collection method: clinical testing. Allele origin: germline. Affected: no. Observed: 1 variant allele, 1 heterozygote.

NM_004483.5(GCSH):c.1_2del (p.Met1fs)

Genes: GCSH (glycine cleavage system protein H; minus strand), LOC130059495 (ATAC-STARR-seq lymphoblastoid silent region 7751; plus strand). Cytogenetic location: 16q23.2.
Variant type: Deletion.
Coding change: c.1_2del on transcript NM_004483.5 (MANE Select); coding-DNA positions 1 to 2, 2 bases deleted (AT; older notation c.1_2delAT).
Protein change: p.Met1fs; shifts the reading frame from methionine 1.
Molecular consequence: frameshift variant, initiator codon variant. On other transcripts: non-coding transcript variant (1).
Genome position (GRCh38, 1-based): chr16:81,096,277-81,096,278, AT deleted on the plus strand (AT on the coding strand, the reverse complement: GCSH is on the minus strand). VCF-style (leftmost placement, unchanged base first): chr16-81096276-CAT-C. GRCh37 (hg19) VCF-style: chr16-81129881-CAT-C.
Other names: short protein forms M1fs.
Identifiers: ClinVar variation 4974972 (VCV004974972.1).